The following is an entry in ClinVar:

ClinVar aggregate classification (germline): Uncertain significance. Review status: criteria provided, multiple submitters, no conflicts (2 of 4 stars). 2 submissions from 2 submitters: Uncertain significance (2). Last evaluated 2024-07-01.

Conditions:
Inborn genetic diseases. Identifiers: MedGen C0950123, MeSH D030342.

Allele frequency attached by ClinVar (database versions not stated): ExAC 0.00002; gnomAD 0.00002; gnomAD exomes 0.00002; TOPMed 0.00003; ESP Exome Variant Server 0.00008.
gnomAD v4.1: 37 of 1,614,042 alleles (0.0023%); highest among the groups gnomAD compares: East Asian, 0.0045%; no homozygotes.

Submissions (2):

Labcorp Genetics (formerly Invitae), Labcorp
Classification: Uncertain significance. Last evaluated: 2024-07-01. Review status: criteria provided, single submitter. Criteria: Invitae Variant Classification Sherloc (09022015). Collection method: clinical testing. Allele origin: germline.
Comment: This sequence change replaces threonine, which is neutral and polar, with methionine, which is neutral and non-polar, at codon 761 of the ADCY1 protein (p.Thr761Met). This variant is present in population databases (rs375013297, gnomAD 0.006%). This variant has not been reported in the literature in individuals affected with ADCY1-related conditions. Advanced modeling of protein sequence and biophysical properties (such as structural, functional, and spatial information, amino acid conservation, physicochemical variation, residue mobility, and thermodynamic stability) performed at Invitae indicates that this missense variant is not expected to disrupt ADCY1 protein function with a negative predictive value of 80%. In summary, the available evidence is currently insufficient to determine the role of this variant in disease. Therefore, it has been classified as a Variant of Uncertain Significance.

Ambry Genetics
Classification: Uncertain significance for Inborn genetic diseases. Last evaluated: 2024-04-04. Review status: criteria provided, single submitter. Criteria: Ambry Variant Classification Scheme 2023. Collection method: clinical testing. Allele origin: germline.

NM_021116.4(ADCY1):c.2282C>T (p.Thr761Met)

Gene: ADCY1 (adenylate cyclase 1; plus strand). Cytogenetic location: 7p12.3.
Variant type: single nucleotide variant.
Coding change: c.2282C>T on transcript NM_021116.4 (MANE Select); coding-DNA position 2282, C replaced by T.
Protein change: p.Thr761Met; replaces threonine 761 with methionine.
Molecular consequence: missense variant.
Genome position (GRCh38, 1-based): chr7:45,686,170, C>T. VCF-style: chr7-45686170-C-T. GRCh37 (hg19) VCF-style: chr7-45725769-C-T.
Other names: c.2282C>T (NM_021116.2); short protein forms T761M.
Identifiers: ClinVar variation 2705673 (VCV002705673.4), dbSNP rs375013297, ClinGen allele CA4249183.